The following is an entry in ClinVar:

NM_000392.5(ABCC2):c.842G>A (p.Ser281Asn)

Gene: ABCC2 (ATP binding cassette subfamily C member 2; plus strand). Cytogenetic location: 10q24.2.
Variant type: single nucleotide variant.
Coding change: c.842G>A on transcript NM_000392.5 (MANE Select); coding-DNA position 842, G replaced by A.
Protein change: p.Ser281Asn; replaces serine 281 with asparagine.
Molecular consequence: missense variant.
Genome position (GRCh38, 1-based): chr10:99,797,306, G>A. VCF-style: chr10-99797306-G-A. GRCh37 (hg19) VCF-style: chr10-101557063-G-A.
Other names: c.842G>A, p.Ser281Asn (LRG_1208t1); short protein forms S281N.
Identifiers: ClinVar variation 198419 (VCV000198419.43), dbSNP rs56131651, ClinGen allele CA203405.
Genomic context (GRCh38, chr10:99,797,306, plus strand): 5'-AGGAGAAGAGCTCCCAGCAGAACTCTGGAGCCAGGCTGCCTGGCTTGAACAAGAATCAGA[G>A]TCAAAGCCAAGATGCCCTTGTCCTGGTAACTTTCCCTTGAGTGTCTGTGTGAGCGCGCTG-3'
Protein context (NP_000383.2, residues 271-291): ARLPGLNKNQ[Ser281Asn]QSQDALVLED

ClinVar aggregate classification (germline): Likely benign. Review status: criteria provided, multiple submitters, no conflicts (2 of 4 stars). 5 submissions from 5 submitters: Likely benign (5). Last evaluated 2026-02-04.

Conditions:
Dubin-Johnson syndrome (DJS). Also called: Jaundice, Chronic Idiopathic; HYPERBILIRUBINEMIA, DUBIN-JOHNSON TYPE; Hyperbilirubinemia type 2. Identifiers: Orphanet 234, MedGen C0022350, MONDO:0009380, OMIM 237500.

Allele frequency attached by ClinVar (database versions not stated): 1000 Genomes Project 30x 0.00375; 1000 Genomes Project 0.00399; ESP Exome Variant Server 0.00515; gnomAD 0.00531 and 0.00539; TOPMed 0.00544; gnomAD exomes 0.00586 and 0.00686; ExAC 0.00660.
gnomAD v4.1: 10,824 of 1,613,438 alleles (0.67%); highest among the groups gnomAD compares: Middle Eastern, 1.1%; 54 homozygotes.

Submissions (5):

Labcorp Genetics (formerly Invitae), Labcorp
Classification: Likely benign. Last evaluated: 2026-02-04. Review status: criteria provided, single submitter. Criteria: Invitae Variant Classification Sherloc (09022015). Collection method: clinical testing. Allele origin: germline.

Mayo Clinic Laboratories, Mayo Clinic
Classification: Likely benign. Last evaluated: 2025-05-08. Review status: criteria provided, single submitter. Criteria: ACMG Guidelines, 2015. Collection method: clinical testing. Allele origin: germline. Observed: 7 variant alleles.
Comment: BS1, BP4

CeGaT Center for Human Genetics Tuebingen
Classification: Likely benign. Last evaluated: 2024-02-01. Review status: criteria provided, single submitter. Criteria: CeGaT Center For Human Genetics Tuebingen Variant Classification Criteria Version 2. Collection method: clinical testing. Allele origin: germline. Affected: yes. Observed: 4 variant alleles.
Comment: ABCC2: BP4, BS2

Illumina Laboratory Services, Illumina
Classification: Likely benign for Dubin-Johnson syndrome. Last evaluated: 2018-01-13. Review status: criteria provided, single submitter. Criteria: ICSL Variant Classification Criteria 13 December 2019. Collection method: clinical testing. Allele origin: germline.
Comment: This variant was observed in the ICSL laboratory as part of a predisposition screen in an ostensibly healthy population. It had not been previously curated by ICSL or reported in the Human Gene Mutation Database (HGMD: prior to June 1st, 2018), and was therefore a candidate for classification through an automated scoring system. Utilizing variant allele frequency, disease prevalence and penetrance estimates, and inheritance mode, an automated score was calculated to assess if this variant is too frequent to cause the disease. Based on the score and internal cut-off values, a variant classified as likely benign is not then subjected to further curation. The score for this variant resulted in a classification of likely benign for this disease.

Eurofins Ntd Llc (ga)
Classification: Likely benign. Last evaluated: 2014-11-23. Review status: criteria provided, single submitter. Criteria: EGL Classification Definitions 2015. Collection method: clinical testing. Allele origin: germline. Observed: 1 variant allele, 1 heterozygote.

Literature cited by the submitters: PubMed 15777714 (cited by Mayo Clinic Laboratories, Mayo Clinic).